The following is an entry in ClinVar:

ClinVar aggregate classification (germline): Conflicting classifications of pathogenicity. Review status: criteria provided, conflicting classifications (1 of 4 stars). 2 submissions from 2 submitters: Uncertain significance (1); Benign (1). Last evaluated 2026-03-09.

Conditions:
Familial hypercholesterolemia. Also called: Familial hypercholesterolemias; Familial hypercholesterolaemia. Identifiers: MedGen C0020445, MONDO:0005439.
Familial hypobetalipoproteinemia 1. Also called: APOB-Related Familial Hypobetalipoproteinemia; Hypobetalipoproteinemia, normotriglyceridemic; Acanthocytosis with hypobetalipoproteinemia. Identifiers: MedGen C4551990, MONDO:0014252, OMIM 615558.
Hypercholesterolemia, autosomal dominant, type B (FHCL2). Also called: Familial Hypercholesterolemia Type B; APOLIPOPROTEIN B-100, FAMILIAL DEFECTIVE; APOLIPOPROTEIN B-100, FAMILIAL LIGAND-DEFECTIVE; HYPERCHOLESTEROLEMIA, FAMILIAL, DUE TO LIGAND-DEFECTIVE APOLIPOPROTEIN B; Hyperlipoproteinemia Type IIb; Familial hypercholesterolemia 2. Identifiers: MedGen C1704417, MONDO:0007751, OMIM 144010.

Allele frequency attached by ClinVar (database versions not stated): gnomAD exomes 0.00002 and 0.00004; ExAC 0.00005.
gnomAD v4.1: 25 of 1,613,460 alleles (0.0015%); highest among the groups gnomAD compares: South Asian, 0.026%; no homozygotes.

Submissions (2):

Cambridge Genomics Laboratory, East Genomic Laboratory Hub, NHS Genomic Medicine Service
Classification: Uncertain significance for Familial hypercholesterolaemia. Last evaluated: 2026-03-09. Review status: criteria provided, single submitter. Criteria: ACGS Best Practice Guidelines for Variant Classification in Rare Disease 2020. Collection method: clinical testing. Allele origin: germline. Affected: yes.
Comment: PM2_Supporting,PP4

Labcorp Genetics (formerly Invitae), Labcorp
Classification: Benign for Familial hypobetalipoproteinemia 1; Hypercholesterolemia, autosomal dominant, type B. Last evaluated: 2025-06-29. Review status: criteria provided, single submitter. Criteria: Invitae Variant Classification Sherloc (09022015). Collection method: clinical testing. Allele origin: germline.

NM_000384.3(APOB):c.6840C>A (p.His2280Gln)

Gene: APOB (apolipoprotein B; minus strand). Cytogenetic location: 2p24.1.
Variant type: single nucleotide variant.
Coding change: c.6840C>A on transcript NM_000384.3 (MANE Select); coding-DNA position 6840, C replaced by A.
Protein change: p.His2280Gln; replaces histidine 2280 with glutamine.
Molecular consequence: missense variant.
Genome position (GRCh38, 1-based): chr2:21,010,028, G>T on the plus strand (C>A on the coding strand, the complement: APOB is on the minus strand). VCF-style: chr2-21010028-G-T. GRCh37 (hg19) VCF-style: chr2-21232900-G-T.
Other names: short protein forms H2280Q.
Identifiers: ClinVar variation 2933914 (VCV002933914.4), dbSNP rs780306555, ClinGen allele CA063621.
Genomic context (GRCh38, chr2:21,010,028, plus strand): 5'-TTGATCTAAAAGCACTCTAACATCAATAGCCTCAATGTGTTGTTTTAACTTTCCAGCTAG[G>T]TGCTGGATGTCTATATTCTGTATGTGTCTCTTAAGCTGCTGCAGTTTTTCTTGTATCTGG-3'
Protein context (NP_000375.3, residues 2270-2290): KRHIQNIDIQ[His2280Gln]LAGKLKQHIE